The following is an entry in ClinVar:

ClinVar aggregate classification (germline): Uncertain significance (1 of 4 stars; one submission).

gnomAD v4.1: 19 of 1,518,058 alleles (0.0013%); highest among the groups gnomAD compares: Non-Finnish European, 0.0017%; no homozygotes.

Submission:

GeneDx
Classification: Uncertain significance. Last evaluated: 2024-11-18. Review status: criteria provided, single submitter. Criteria: GeneDx Variant Classification Process June 2021. Collection method: clinical testing. Allele origin: germline. Affected: yes.
Comment: In silico analysis supports a deleterious effect on splicing; Has not been previously published as pathogenic or benign to our knowledge

NM_001292063.2(OTOG):c.7073-9C>A

Gene: OTOG (otogelin; plus strand). Cytogenetic location: 11p15.1.
Variant type: single nucleotide variant.
Coding change: c.7073-9C>A on transcript NM_001292063.2 (MANE Select); 9 bases into the intron before coding-DNA position 7073, C replaced by A.
Molecular consequence: intron variant.
Genome position (GRCh38, 1-based): chr11:17,633,671, C>A. VCF-style: chr11-17633671-C-A. GRCh37 (hg19) VCF-style: chr11-17655218-C-A.
Other names: c.7109-9C>A (NM_001277269.2).
Identifiers: ClinVar variation 3899748 (VCV003899748.1).
Genomic context (GRCh38, chr11:17,633,671, plus strand): 5'-CTTTCGGCCCTCAGTGGGGAGCCCTGCCTGGGGTCTGAGGTAGGCCTGGTGCCCACTGTG[C>A]CCCTGCAGCCTTCCTGTGCTCCAGCGACTCCACATACCAGGCATGTGTGACAGCCTGTGA-3'